The following is an entry in ClinVar:

ClinVar aggregate classification (germline): Uncertain significance (1 of 4 stars; one submission).

Conditions:
Inborn genetic diseases. Identifiers: MedGen C0950123, MeSH D030342.

Submission:

Ambry Genetics
Classification: Uncertain significance for Inborn genetic diseases. Last evaluated: 2025-04-11. Review status: criteria provided, single submitter. Criteria: Ambry Variant Classification Scheme 2023. Collection method: clinical testing. Allele origin: germline.
Comment: The p.K1510E variant (also known as c.4528A>G), located in coding exon 18 of the FANCM gene, results from an A to G substitution at nucleotide position 4528. The lysine at codon 1510 is replaced by glutamic acid, an amino acid with similar properties. This amino acid position is conserved. In addition, this alteration is predicted to be tolerated by in silico analysis. Based on the available evidence, the clinical significance of this variant remains unclear.

NM_020937.4(FANCM):c.4528A>G (p.Lys1510Glu)

Gene: FANCM (FA complementation group M; plus strand). Cytogenetic location: 14q21.2.
Variant type: single nucleotide variant.
Coding change: c.4528A>G on transcript NM_020937.4 (MANE Select); coding-DNA position 4528, A replaced by G.
Protein change: p.Lys1510Glu; replaces lysine 1510 with glutamic acid.
Molecular consequence: missense variant.
Genome position (GRCh38, 1-based): chr14:45,185,229, A>G. VCF-style: chr14-45185229-A-G. GRCh37 (hg19) VCF-style: chr14-45654432-A-G.
Other names: c.4450A>G, p.Lys1484Glu (NM_001308133.2); short protein forms K1510E, K1484E.
Identifiers: ClinVar variation 4022679 (VCV004022679.1).